The following is an entry in ClinVar:

ClinVar aggregate classification (germline): Uncertain significance (1 of 4 stars; one submission).

Submission:

CeGaT Center for Human Genetics Tuebingen
Classification: Uncertain significance. Last evaluated: 2025-07-01. Review status: criteria provided, single submitter. Criteria: CeGaT Center For Human Genetics Tuebingen Variant Classification Criteria Version 2. Collection method: clinical testing. Allele origin: germline. Affected: yes. Observed: 1 variant allele.
Comment: MTOR: PM2, PP2

NM_004958.4(MTOR):c.7441T>A (p.Ser2481Thr)

Gene: MTOR (mechanistic target of rapamycin kinase; minus strand). Cytogenetic location: 1p36.22.
Variant type: single nucleotide variant.
Coding change: c.7441T>A on transcript NM_004958.4 (MANE Select); coding-DNA position 7441, T replaced by A.
Protein change: p.Ser2481Thr; replaces serine 2481 with threonine.
Molecular consequence: missense variant.
Genome position (GRCh38, 1-based): chr1:11,109,655, A>T on the plus strand (T>A on the coding strand, the complement: MTOR is on the minus strand). VCF-style: chr1-11109655-A-T. GRCh37 (hg19) VCF-style: chr1-11169712-A-T.
Other names: c.7441T>A, p.Ser2481Thr (NM_001386500.1); c.6193T>A, p.Ser2065Thr (NM_001386501.1); short protein forms S2065T, S2481T.
Identifiers: ClinVar variation 4085497 (VCV004085497.8).